The following is an entry in ClinVar:

NM_001372.4(DNAH9):c.2890C>A (p.Pro964Thr)

Genes: DNAH9 (dynein axonemal heavy chain 9; plus strand), LOC126862505 (BRD4-independent group 4 enhancer GRCh37_chr17:11572478-11573677; plus strand). Cytogenetic location: 17p12.
Variant type: single nucleotide variant.
Coding change: c.2890C>A on transcript NM_001372.4 (MANE Select); coding-DNA position 2890, C replaced by A.
Protein change: p.Pro964Thr; replaces proline 964 with threonine.
Molecular consequence: missense variant.
Genome position (GRCh38, 1-based): chr17:11,669,222, C>A. VCF-style: chr17-11669222-C-A. GRCh37 (hg19) VCF-style: chr17-11572539-C-A.
Other names: short protein forms P964T.
Identifiers: ClinVar variation 4741745 (VCV004741745.1).
Genomic context (GRCh38, chr17:11,669,222, plus strand): 5'-GGTTTCTGTGACATTGTTGAGGGTCTCATCACCAGCATTTTTAGGATACCATCTCTGGTG[C>A]CACGGCTTTCCCCACAAAATGGCTCTCCTCACTATCAGGTACTGGAGCTGCAGCCATCCT-3'
Protein context (NP_001363.2, residues 954-974): TSIFRIPSLV[Pro964Thr]RLSPQNGSPH

ClinVar aggregate classification (germline): Uncertain significance (1 of 4 stars; one submission).

Submission:

Labcorp Genetics (formerly Invitae), Labcorp
Classification: Uncertain significance. Last evaluated: 2025-05-18. Review status: criteria provided, single submitter. Criteria: Invitae Variant Classification Sherloc (09022015). Collection method: clinical testing. Allele origin: germline.
Comment: This sequence change replaces proline, which is neutral and non-polar, with threonine, which is neutral and polar, at codon 964 of the DNAH9 protein (p.Pro964Thr). This variant is not present in population databases (gnomAD no frequency). This variant has not been reported in the literature in individuals affected with DNAH9-related conditions. Invitae Evidence Modeling of protein sequence and biophysical properties (such as structural, functional, and spatial information, amino acid conservation, physicochemical variation, residue mobility, and thermodynamic stability) indicates that this missense variant is not expected to disrupt DNAH9 protein function with a negative predictive value of 80%. In summary, the available evidence is currently insufficient to determine the role of this variant in disease. Therefore, it has been classified as a Variant of Uncertain Significance.